The following is an entry in ClinVar:

NM_000807.4(GABRA2):c.1143T>A (p.Asp381Glu)

Gene: GABRA2 (gamma-aminobutyric acid type A receptor subunit alpha2; minus strand). Cytogenetic location: 4p12.
Variant type: single nucleotide variant.
Coding change: c.1143T>A on transcript NM_000807.4 (MANE Select); coding-DNA position 1143, T replaced by A.
Protein change: p.Asp381Glu; replaces aspartic acid 381 with glutamic acid.
Molecular consequence: missense variant.
Genome position (GRCh38, 1-based): chr4:46,250,521, A>T on the plus strand (T>A on the coding strand, the complement: GABRA2 is on the minus strand). VCF-style: chr4-46250521-A-T. GRCh37 (hg19) VCF-style: chr4-46252538-A-T.
Other names: c.1143T>A, p.Asp381Glu (NM_001114175.3, NM_001377146.1, NM_001377147.1 and 4 more transcripts); c.1158T>A, p.Asp386Glu (NM_001286827.3); c.1323T>A, p.Asp441Glu (NM_001330690.2, NM_001377144.1, NM_001377145.1); c.978T>A, p.Asp326Glu (NM_001377152.1, NM_001377153.1, NM_001377154.1); c.1143T>A (NM_001114175.1); short protein forms D326E, D381E, D441E, D386E.
Identifiers: ClinVar variation 1995889 (VCV001995889.5), dbSNP rs2475199431, ClinGen allele CA356802556.

ClinVar aggregate classification (germline): Uncertain significance. Review status: criteria provided, multiple submitters, no conflicts (2 of 4 stars). 2 submissions from 2 submitters: Uncertain significance (2). Last evaluated 2024-01-03.

Conditions:
Inborn genetic diseases. Identifiers: MedGen C0950123, MeSH D030342.

Allele frequency attached by ClinVar (database versions not stated): gnomAD exomes below 0.00001.
gnomAD v4.1: 4 of 1,611,798 alleles (0.00025%); highest among the groups gnomAD compares: Non-Finnish European, 0.00034%; no homozygotes.

Submissions (2):

Ambry Genetics
Classification: Uncertain significance for Inborn genetic diseases. Last evaluated: 2024-01-03. Review status: criteria provided, single submitter. Criteria: Ambry Variant Classification Scheme 2023. Collection method: clinical testing. Allele origin: germline.

Labcorp Genetics (formerly Invitae), Labcorp
Classification: Uncertain significance. Last evaluated: 2022-05-25. Review status: criteria provided, single submitter. Criteria: Invitae Variant Classification Sherloc (09022015). Collection method: clinical testing. Allele origin: germline.
Comment: This variant is not present in population databases (gnomAD no frequency). This variant has not been reported in the literature in individuals affected with GABRA2-related conditions. Experimental studies and prediction algorithms are not available or were not evaluated, and the functional significance of this variant is currently unknown. In summary, the available evidence is currently insufficient to determine the role of this variant in disease. Therefore, it has been classified as a Variant of Uncertain Significance. This sequence change replaces aspartic acid, which is acidic and polar, with glutamic acid, which is acidic and polar, at codon 441 of the GABRA2 protein (p.Asp441Glu).